The following is an entry in ClinVar:

ClinVar aggregate classification (germline): Likely benign. Review status: criteria provided, multiple submitters, no conflicts (2 of 4 stars). 3 submissions from 3 submitters: Likely benign (3). Last evaluated 2025-12-19.

Conditions:
Encephalopathy, acute, infection-induced (herpes-specific), susceptibility to, 6. Also called: Herpes simplex encephalitis, susceptibility to, 4. Identifiers: Orphanet 1930, MedGen C3553869, MONDO:0013921, OMIM 614850.

Allele frequency attached by ClinVar (database versions not stated): 1000 Genomes Project 0.00020; gnomAD 0.00038 and 0.00037; ESP Exome Variant Server 0.00062; TOPMed 0.00032; 1000 Genomes Project 30x 0.00016; ExAC 0.00032; gnomAD exomes 0.00034.

Submissions (3):

Labcorp Genetics (formerly Invitae), Labcorp
Classification: Likely benign for Encephalopathy, acute, infection-induced (herpes-specific), susceptibility to, 6. Last evaluated: 2025-12-19. Review status: criteria provided, single submitter. Criteria: Invitae Variant Classification Sherloc (09022015). Collection method: clinical testing. Allele origin: germline.

CeGaT Center for Human Genetics Tuebingen
Classification: Likely benign. Last evaluated: 2025-06-01. Review status: criteria provided, single submitter. Criteria: CeGaT Center For Human Genetics Tuebingen Variant Classification Criteria Version 2. Collection method: clinical testing. Allele origin: germline. Affected: yes. Observed: 1 variant allele.
Comment: TICAM1: BP4, BP7

Breakthrough Genomics
Classification: Likely benign. Review status: criteria provided, single submitter. Criteria: ACMG Guidelines, 2015. Collection method: not provided. Allele origin: germline. Inheritance: Autosomal dominant inheritance. Affected: yes.

NM_182919.4(TICAM1):c.1260C>T (p.Gly420=)

Gene: TICAM1 (TIR domain containing adaptor molecule 1; minus strand). Cytogenetic location: 19p13.3.
Variant type: single nucleotide variant.
Coding change: c.1260C>T on transcript NM_182919.4 (MANE Select); coding-DNA position 1260, C replaced by T.
Protein change: p.Gly420=; no amino-acid change (glycine 420 retained).
Molecular consequence: synonymous variant.
Genome position (GRCh38, 1-based): chr19:4,817,118, G>A on the plus strand (C>T on the coding strand, the complement: TICAM1 is on the minus strand). VCF-style: chr19-4817118-G-A. GRCh37 (hg19) VCF-style: chr19-4817130-G-A.
Other names: c.1218C>T, p.Gly406= (NM_001385678.1); c.1125C>T, p.Gly375= (NM_001385679.1); c.618C>T, p.Gly206= (NM_001385680.1).
Identifiers: ClinVar variation 540515 (VCV000540515.23), dbSNP rs144531955, ClinGen allele CA9105167.
Genomic context (GRCh38, chr19:4,817,118, plus strand): 5'-GCTCAGCTCCCCGCGCCCCGGCACCTGGAAATCCTCGCAGAAGGTGGCCCCGTCGGGCAC[G>A]CCAAGGGCCTCCAGCTTCTCCCGAACCCGCAGGGCGATGTGTTCGTCTGCCCTGGCGTGG-3'
Protein context (NP_891549.1, residues 410-430): LRVREKLEAL[Gly420=]VPDGATFCED